The following is an entry in ClinVar:

NM_001354604.2(MITF):c.537C>T (p.Asn179=)

Gene: MITF (melanocyte inducing transcription factor; plus strand). Cytogenetic location: 3p13.
Variant type: single nucleotide variant.
Coding change: c.537C>T on transcript NM_001354604.2 (MANE Select); coding-DNA position 537, C replaced by T.
Protein change: p.Asn179=; no amino-acid change (asparagine 179 retained).
Molecular consequence: synonymous variant. On other transcripts: intron variant (1).
Genome position (GRCh38, 1-based): chr3:69,938,004, C>T. VCF-style: chr3-69938004-C-T. GRCh37 (hg19) VCF-style: chr3-69987155-C-T.
Other names: c.216C>T (NM_000248.3); c.216C>T, p.Asn72= (NM_000248.4, NM_001184968.2, NM_198158.3); c.381C>T, p.Asn127= (NM_001184967.2, NM_001354608.2); c.534C>T, p.Asn178= (NM_001354605.2, NM_001354606.2, NM_006722.3); c.486C>T, p.Asn162= (NM_001354607.2); c.537C>T, p.Asn179= (NM_198159.3); c.489C>T, p.Asn163= (NM_198177.3); c.93+123C>T (NM_198178.3).
Identifiers: ClinVar variation 666713 (VCV000666713.10), dbSNP rs150591206, ClinGen allele CA2490374.
Genomic context (GRCh38, chr3:69,938,004, plus strand): 5'-ATGTCCAAACCAGCCTGGCGATCATGTCATGCCACCGGTGCCGGGGAGCAGCGCACCCAA[C>T]AGCCCCATGGCTATGCTTACGCTTAACTCCAACTGTGAAAAAGAGGTAATTCATGTCTCC-3'
Protein context (NP_001341533.1, residues 169-189): MPPVPGSSAP[Asn179=]SPMAMLTLNS

ClinVar aggregate classification (germline): Conflicting classifications of pathogenicity. Review status: criteria provided, conflicting classifications (1 of 4 stars). 3 submissions from 3 submitters: Uncertain significance (1); Likely benign (2). Last evaluated 2025-10-23.

Conditions:
Waardenburg syndrome type 2A (WS2A). Also called: WAARDENBURG SYNDROME WITHOUT DYSTOPIA CANTHORUM. Identifiers: Orphanet 3440, MedGen C1860339, MONDO:0008671, OMIM 193510.
Tietz syndrome (TADS). Also called: ALBINISM-DEAFNESS OF TIETZ; TIETZ ALBINISM-DEAFNESS SYNDROME; HYPOPIGMENTATION/DEAFNESS OF TIETZ. Identifiers: Orphanet 42665, MedGen C0391816, MONDO:0007077, OMIM 103500.
Melanoma, cutaneous malignant, susceptibility to, 8. Also called: MELANOMA AND RENAL CELL CARCINOMA, SUSCEPTIBILITY TO; Cutaneous malignant melanoma 8. Identifiers: Orphanet 293822, MedGen C3152204, MONDO:0013759, OMIM 614456.

Allele frequency attached by ClinVar (database versions not stated): ExAC 0.00002; gnomAD exomes 0.00003; gnomAD 0.00007 and 0.00008; ESP Exome Variant Server 0.00008; TOPMed 0.00008.

Submissions (3):

Labcorp Genetics (formerly Invitae), Labcorp
Classification: Likely benign for Melanoma, cutaneous malignant, susceptibility to, 8; Waardenburg syndrome type 2A; Tietz syndrome. Last evaluated: 2025-10-23. Review status: criteria provided, single submitter. Criteria: Invitae Variant Classification Sherloc (09022015). Collection method: clinical testing. Allele origin: germline.

GeneDx
Classification: Uncertain significance. Last evaluated: 2025-09-24. Review status: criteria provided, single submitter. Criteria: GeneDx Variant Classification Process June 2021. Collection method: clinical testing. Allele origin: germline. Affected: yes.
Comment: In silico analysis suggests that this variant does not alter splicing; Has not been previously published as pathogenic or benign to our knowledge

Laboratory for Molecular Medicine, Mass General Brigham Personalized Medicine
Classification: Likely benign. Last evaluated: 2014-11-24. Review status: criteria provided, single submitter. Criteria: LMM Criteria. Collection method: clinical testing. Allele origin: germline. Observed: 1 variant allele.
Comment: Asn179Asn in exon 3 of MITF: This variant is not expected to have clinical signi ficance because it does not alter an amino acid residue and is not located withi n the splice consensus sequence. It has been identified in 1/4406 African Americ an chromosomes from a broad population by the NHLBI Exome Sequencing Project (dbSNP rs150591206).